The following is an entry in ClinVar:

NM_024408.4(NOTCH2):c.5356C>T (p.Arg1786Ter)

Gene: NOTCH2 (notch receptor 2; minus strand). Cytogenetic location: 1p12.
Variant type: single nucleotide variant.
Coding change: c.5356C>T on transcript NM_024408.4 (MANE Select); coding-DNA position 5356, C replaced by T.
Protein change: p.Arg1786Ter; replaces arginine 1786 with a stop codon.
Molecular consequence: nonsense.
Genome position (GRCh38, 1-based): chr1:119,920,352, G>A on the plus strand (C>T on the coding strand, the complement: NOTCH2 is on the minus strand). VCF-style: chr1-119920352-G-A. GRCh37 (hg19) VCF-style: chr1-120462975-G-A.
Other names: short protein forms R1786*.
Identifiers: ClinVar variation 2788908 (VCV002788908.3), dbSNP rs1435723160, ClinGen allele CA341885696.

ClinVar aggregate classification (germline): Pathogenic (1 of 4 stars; one submission).

Conditions:
Hajdu-Cheney syndrome (HJCYS). Also called: ACROOSTEOLYSIS WITH OSTEOPOROSIS AND CHANGES IN SKULL AND MANDIBLE; Acroosteolysis dominant type; SERPENTINE FIBULA-POLYCYSTIC KIDNEY SYNDROME. Identifiers: Orphanet 955, MedGen C0917715, MONDO:0007057, OMIM 102500.

Submission:

Labcorp Genetics (formerly Invitae), Labcorp
Classification: Pathogenic for Hajdu-Cheney syndrome. Last evaluated: 2023-08-21. Review status: criteria provided, single submitter. Criteria: Invitae Variant Classification Sherloc (09022015). Collection method: clinical testing. Allele origin: germline.
Comment: For these reasons, this variant has been classified as Pathogenic. This variant has not been reported in the literature in individuals affected with NOTCH2-related conditions. This variant is present in population databases (no rsID available, gnomAD 0.0009%). This sequence change creates a premature translational stop signal (p.Arg1786*) in the NOTCH2 gene. It is expected to result in an absent or disrupted protein product. Loss-of-function variants in NOTCH2 are known to be pathogenic (PMID: 16773578, 22209762).

Literature cited by the submitters: PubMed 16773578; PubMed 22209762.